The following is an entry in ClinVar:

NM_139343.3(BIN1):c.1326T>G (p.Phe442Leu)

Gene: BIN1 (bridging integrator 1; minus strand). Cytogenetic location: 2q14.3.
Variant type: single nucleotide variant.
Coding change: c.1326T>G on transcript NM_139343.3 (MANE Select); coding-DNA position 1326, T replaced by G.
Protein change: p.Phe442Leu; replaces phenylalanine 442 with leucine.
Molecular consequence: missense variant. On other transcripts: intron variant (9).
Genome position (GRCh38, 1-based): chr2:127,052,300, A>C on the plus strand (T>G on the coding strand, the complement: BIN1 is on the minus strand). VCF-style: chr2-127052300-A-C. GRCh37 (hg19) VCF-style: chr2-127809876-A-C.
Other names: c.1233T>G, p.Phe411Leu (NM_001320641.2); c.1245T>G, p.Phe415Leu (NM_001320642.1); c.1197T>G, p.Phe399Leu (NM_139344.3); c.1065T>G, p.Phe355Leu (NM_139345.3); c.1101T>G, p.Phe367Leu (NM_139347.3); c.972T>G, p.Phe324Leu (NM_139349.3); c.838-1388T>G (NM_001320634.1); c.910-1388T>G (NM_139351.3); and 7 more; short protein forms F367L, F442L, F399L, F415L, F355L, F324L, F411L.
Identifiers: ClinVar variation 2106518 (VCV002106518.4), dbSNP rs2467184089, ClinGen allele CA348375845.
Genomic context (GRCh38, chr2:127,052,300, plus strand): 5'-GAGGTGGGCACTTACTTGGGCAGGCCCCGGCTCGGCCGTCTGGCTGGGCCAGGACACAGC[A>C]AAGGTGCCCTCGGCAGCGCTGGGCTCCCCGGAAGGCAGGCTGCCGGCTGGACTCTCTGTG-3'
Protein context (NP_647593.1, residues 432-452): SGEPSAAEGT[Phe442Leu]AVSWPSQTAE

ClinVar aggregate classification (germline): Uncertain significance (1 of 4 stars; one submission).

Conditions:
Myopathy, centronuclear, 2 (CNM2). Also called: MYOTUBULAR MYOPATHY, AUTOSOMAL RECESSIVE. Identifiers: Orphanet 169186, MedGen CN031787, MONDO:0009709, OMIM 255200.

Submission:

Labcorp Genetics (formerly Invitae), Labcorp
Classification: Uncertain significance for Myopathy, centronuclear, 2. Last evaluated: 2022-03-04. Review status: criteria provided, single submitter. Criteria: Invitae Variant Classification Sherloc (09022015). Collection method: clinical testing. Allele origin: germline.
Comment: In summary, the available evidence is currently insufficient to determine the role of this variant in disease. Therefore, it has been classified as a Variant of Uncertain Significance. Algorithms developed to predict the effect of missense changes on protein structure and function (SIFT, PolyPhen-2, Align-GVGD) all suggest that this variant is likely to be tolerated. This variant has not been reported in the literature in individuals affected with BIN1-related conditions. This variant is not present in population databases (gnomAD no frequency). This sequence change replaces phenylalanine, which is neutral and non-polar, with leucine, which is neutral and non-polar, at codon 442 of the BIN1 protein (p.Phe442Leu).